The following is an entry in ClinVar:

NM_001365536.1(SCN9A):c.3587del (p.Ser1196fs)

Genes: SCN1A-AS1 (SCN1A and SCN9A antisense RNA 1; plus strand), SCN9A (sodium voltage-gated channel alpha subunit 9; minus strand). Cytogenetic location: 2q24.3.
Variant type: Deletion.
Coding change: c.3587del on transcript NM_001365536.1 (MANE Select); coding-DNA position 3587, one base deleted (G; older notation c.3587delG).
Protein change: p.Ser1196fs; shifts the reading frame from serine 1196.
Molecular consequence: frameshift variant.
Genome position (GRCh38, 1-based): chr2:166,242,542, C deleted on the plus strand (G on the coding strand, the reverse complement: SCN9A is on the minus strand). VCF-style (leftmost placement, unchanged base first): chr2-166242541-GC-G. GRCh37 (hg19) VCF-style: chr2-167099051-GC-G.
Other names: c.3554delG, p.Ser1185Thrfs (NM_002977.4); short protein forms S1196fs, S1185fs.
Identifiers: ClinVar variation 2035500 (VCV002035500.4), dbSNP rs2467868320, ClinGen allele CA2580064324.

ClinVar aggregate classification (germline): Pathogenic (1 of 4 stars; one submission).

Conditions:
Neuropathy, hereditary sensory and autonomic, type 2A (HSAN2A). Also called: ACROOSTEOLYSIS, GIACCAI TYPE; ACROOSTEOLYSIS, NEUROGENIC; HSAN IIA; WNK1-Related HSAN2 (HSAN2A); MORVAN DISEASE; NEUROPATHY, CONGENITAL SENSORY. Identifiers: Orphanet 970, MedGen C2752089, MONDO:0024309, OMIM 201300.
Generalized epilepsy with febrile seizures plus, type 7 (GEFSP7). Also called: GEFS+, TYPE 7. Identifiers: Orphanet 36387, MedGen C2751778, MONDO:0013470, OMIM 613863.

Allele frequency attached by ClinVar (database versions not stated): gnomAD exomes below 0.00001.

Submission:

Labcorp Genetics (formerly Invitae), Labcorp
Classification: Pathogenic for Neuropathy, hereditary sensory and autonomic, type 2A; Generalized epilepsy with febrile seizures plus, type 7. Last evaluated: 2022-10-14. Review status: criteria provided, single submitter. Criteria: Invitae Variant Classification Sherloc (09022015). Collection method: clinical testing. Allele origin: germline.
Comment: This variant is not present in population databases (gnomAD no frequency). This sequence change creates a premature translational stop signal (p.Ser1185Thrfs*6) in the SCN9A gene. It is expected to result in an absent or disrupted protein product. Loss-of-function variants in SCN9A are known to be pathogenic (PMID: 17470132, 19304393). This variant has not been reported in the literature in individuals affected with SCN9A-related conditions. For these reasons, this variant has been classified as Pathogenic. Algorithms developed to predict the effect of sequence changes on RNA splicing suggest that this variant may disrupt the consensus splice site.

Literature cited by the submitters: PubMed 17470132; PubMed 19304393.